The following is an entry in ClinVar:

NM_022124.6(CDH23):c.2122T>G (p.Ser708Ala)

Gene: CDH23 (cadherin related 23; plus strand). Cytogenetic location: 10q22.1.
Variant type: single nucleotide variant.
Coding change: c.2122T>G on transcript NM_022124.6 (MANE Select); coding-DNA position 2122, T replaced by G.
Protein change: p.Ser708Ala; replaces serine 708 with alanine.
Molecular consequence: missense variant.
Genome position (GRCh38, 1-based): chr10:71,690,530, T>G. VCF-style: chr10-71690530-T-G. GRCh37 (hg19) VCF-style: chr10-73450287-T-G.
Other names: c.2122T>G, p.Ser708Ala (NM_001171930.2, NM_001171931.2); short protein forms S708A.
Identifiers: ClinVar variation 967826 (VCV000967826.10), dbSNP rs764332602, ClinGen allele CA5544097.

ClinVar aggregate classification (germline): Uncertain significance. Review status: criteria provided, multiple submitters, no conflicts (2 of 4 stars). 6 submissions from 6 submitters: Uncertain significance (5). 1 of the submissions does not count toward it. Last evaluated 2025-06-18.

Conditions:
Inborn genetic diseases. Identifiers: MedGen C0950123, MeSH D030342.
Autosomal recessive nonsyndromic hearing loss 12. Also called: DEAFNESS, AUTOSOMAL RECESSIVE 12. Identifiers: Orphanet 90636, MedGen C1832394, MONDO:0011067, OMIM 601386.
Usher syndrome type 1D (USH1D). Also called: USHER SYNDROME, TYPE ID. Identifiers: Orphanet 231169, Orphanet 886, MedGen C1832845, MONDO:0010984, OMIM 601067.
Pituitary adenoma 5, multiple types. Identifiers: MedGen C4539685, MONDO:0054601, OMIM 617540.
Usher syndrome type 1 (USH1). Also called: RETINITIS PIGMENTOSA AND CONGENITAL DEAFNESS. Identifiers: Orphanet 231169, Orphanet 886, MedGen C1568247, MONDO:0010168, OMIM 276900.

Allele frequency attached by ClinVar (database versions not stated): gnomAD exomes 0.00002; gnomAD 0.00001; ExAC 0.00002.
gnomAD v4.1: 15 of 1,609,566 alleles (0.00093%); highest among the groups gnomAD compares: Middle Eastern, 0.049%; no homozygotes.

Submissions (6):

Ambry Genetics
Classification: Uncertain significance for Inborn genetic diseases. Last evaluated: 2025-06-18. Review status: criteria provided, single submitter. Criteria: Ambry Variant Classification Scheme 2023. Collection method: clinical testing. Allele origin: germline.

GeneDx
Classification: Uncertain significance. Last evaluated: 2024-11-19. Review status: criteria provided, single submitter. Criteria: GeneDx Variant Classification Process June 2021. Collection method: clinical testing. Allele origin: germline. Affected: yes.
Comment: Not observed at significant frequency in large population cohorts (gnomAD); In silico analysis supports that this missense variant has a deleterious effect on protein structure/function; Has not been previously published as pathogenic or benign to our knowledge

Labcorp Genetics (formerly Invitae), Labcorp
Classification: Uncertain significance. Last evaluated: 2024-10-27. Review status: criteria provided, single submitter. Criteria: Invitae Variant Classification Sherloc (09022015). Collection method: clinical testing. Allele origin: germline.
Comment: This sequence change replaces serine, which is neutral and polar, with alanine, which is neutral and non-polar, at codon 708 of the CDH23 protein (p.Ser708Ala). This variant is present in population databases (rs764332602, gnomAD 0.003%). This variant has not been reported in the literature in individuals affected with CDH23-related conditions. ClinVar contains an entry for this variant (Variation ID: 967826). Invitae Evidence Modeling of protein sequence and biophysical properties (such as structural, functional, and spatial information, amino acid conservation, physicochemical variation, residue mobility, and thermodynamic stability) has been performed for this missense variant. However, the output from this modeling did not meet the statistical confidence thresholds required to predict the impact of this variant on CDH23 protein function. In summary, the available evidence is currently insufficient to determine the role of this variant in disease. Therefore, it has been classified as a Variant of Uncertain Significance.

Blueprint Genetics
Classification: Uncertain significance. Last evaluated: 2023-08-15. Review status: criteria provided, single submitter. Criteria: ACMG Guidelines, 2015. Collection method: clinical testing. Allele origin: germline.

Fulgent Genetics
Classification: Uncertain significance for Usher syndrome type 1D; Autosomal recessive nonsyndromic hearing loss 12; Pituitary adenoma 5, multiple types. Last evaluated: 2021-07-26. Review status: criteria provided, single submitter. Criteria: ACMG Guidelines, 2015. Collection method: clinical testing. Allele origin: unknown.

Natera, Inc.
Classification: Uncertain significance for Usher syndrome type 1. Last evaluated: 2020-03-17. Review status: no assertion criteria provided. Collection method: clinical testing. Allele origin: germline. Not counted in ClinVar's aggregate classification.